The following is an entry in ClinVar:

ClinVar aggregate classification (germline): Pathogenic (1 of 4 stars; one submission).

Conditions:
Hereditary cancer-predisposing syndrome. Also called: Tumor predisposition; Neoplastic Syndromes, Hereditary; Hereditary Cancer Syndrome; Hereditary neoplastic syndrome. Identifiers: Orphanet 140162, MedGen C0027672, MeSH D009386, MONDO:0015356.

Submission:

Labcorp Genetics (formerly Invitae), Labcorp
Classification: Pathogenic for Hereditary cancer-predisposing syndrome. Last evaluated: 2025-07-30. Review status: criteria provided, single submitter. Criteria: Invitae Variant Classification Sherloc (09022015). Collection method: clinical testing. Allele origin: germline.
Comment: This sequence change creates a premature translational stop signal (p.Gln695Hisfs*7) in the RAD50 gene. It is expected to result in an absent or disrupted protein product. Loss-of-function variants in RAD50 are known to be pathogenic (PMID: 19409520). This variant is not present in population databases (gnomAD no frequency). This variant has not been reported in the literature in individuals affected with RAD50-related conditions. ClinVar contains an entry for this variant (Variation ID: 1455273). For these reasons, this variant has been classified as Pathogenic.

Literature cited by the submitters: PubMed 19409520.

NM_005732.4(RAD50):c.2081_2084dup (p.Gln695fs)

Gene: RAD50 (RAD50 double strand break repair protein; plus strand). Cytogenetic location: 5q31.1.
Variant type: Duplication.
Coding change: c.2081_2084dup on transcript NM_005732.4 (MANE Select); coding-DNA positions 2081 to 2084, 4 bases duplicated (TACA; older notation c.2081_2084dupTACA).
Protein change: p.Gln695fs; shifts the reading frame from glutamine 695.
Molecular consequence: frameshift variant.
Genome position (GRCh38, 1-based): chr5:132,595,684-132,595,687, TACA duplicated. VCF-style (leftmost placement, unchanged base first): chr5-132595683-T-TTACA. GRCh37 (hg19) VCF-style: chr5-131931375-T-TTACA.
Other names: short protein forms Q695fs.
Identifiers: ClinVar variation 1455273 (VCV001455273.6), dbSNP rs2149844111, ClinGen allele CA2573139013.